The following is an entry in ClinVar:

NM_002048.3(GAS1):c.598A>G (p.Thr200Ala)

Gene: GAS1 (growth arrest specific 1; minus strand). Cytogenetic location: 9q21.33.
Variant type: single nucleotide variant.
Coding change: c.598A>G on transcript NM_002048.3 (MANE Select); coding-DNA position 598, A replaced by G.
Protein change: p.Thr200Ala; replaces threonine 200 with alanine.
Molecular consequence: missense variant.
Genome position (GRCh38, 1-based): chr9:86,946,182, T>C on the plus strand (A>G on the coding strand, the complement: GAS1 is on the minus strand). VCF-style: chr9-86946182-T-C. GRCh37 (hg19) VCF-style: chr9-89561097-T-C.
Other names: short protein forms T200A.
Identifiers: ClinVar variation 2028666 (VCV002028666.4), dbSNP rs1825485318, ClinGen allele CA374015819.

ClinVar aggregate classification (germline): Uncertain significance (1 of 4 stars; one submission).

Submission:

Labcorp Genetics (formerly Invitae), Labcorp
Classification: Uncertain significance. Last evaluated: 2022-10-25. Review status: criteria provided, single submitter. Criteria: Invitae Variant Classification Sherloc (09022015). Collection method: clinical testing. Allele origin: germline.
Comment: In summary, the available evidence is currently insufficient to determine the role of this variant in disease. Therefore, it has been classified as a Variant of Uncertain Significance. Algorithms developed to predict the effect of missense changes on protein structure and function (SIFT, PolyPhen-2, Align-GVGD) all suggest that this variant is likely to be disruptive. This variant has not been reported in the literature in individuals affected with GAS1-related conditions. This variant is not present in population databases (gnomAD no frequency). This sequence change replaces threonine, which is neutral and polar, with alanine, which is neutral and non-polar, at codon 200 of the GAS1 protein (p.Thr200Ala).